The following is an entry in ClinVar:

NM_000057.4(BLM):c.1593A>C (p.Lys531Asn)

Gene: BLM (BLM RecQ like helicase; plus strand). Cytogenetic location: 15q26.1.
Variant type: single nucleotide variant.
Coding change: c.1593A>C on transcript NM_000057.4 (MANE Select); coding-DNA position 1593, A replaced by C.
Protein change: p.Lys531Asn; replaces lysine 531 with asparagine.
Molecular consequence: missense variant.
Genome position (GRCh38, 1-based): chr15:90,760,966, A>C. VCF-style: chr15-90760966-A-C. GRCh37 (hg19) VCF-style: chr15-91304196-A-C.
Other names: c.1593A>C, p.Lys531Asn (NM_001287246.2, NM_001287247.2); c.468A>C, p.Lys156Asn (NM_001287248.2); short protein forms K531N, K156N.
Identifiers: ClinVar variation 4622532 (VCV004622532.1).

ClinVar aggregate classification (germline): Uncertain significance (1 of 4 stars; one submission).

Conditions:
Hereditary cancer-predisposing syndrome. Also called: Neoplastic Syndromes, Hereditary; Tumor predisposition; Hereditary Cancer Syndrome; Hereditary neoplastic syndrome. Identifiers: Orphanet 140162, MedGen C0027672, MeSH D009386, MONDO:0015356.

gnomAD v4.1: 1 of 1,614,108 alleles (0.000062%); highest among the groups gnomAD compares: Non-Finnish European, 0.000085%; no homozygotes.

Submission:

Ambry Genetics
Classification: Uncertain significance for Hereditary cancer-predisposing syndrome. Last evaluated: 2025-09-21. Review status: criteria provided, single submitter. Criteria: Ambry Variant Classification Scheme 2023. Collection method: clinical testing. Allele origin: germline.
Comment: The p.K531N variant (also known as c.1593A>C), located in coding exon 6 of the BLM gene, results from an A to C substitution at nucleotide position 1593. The lysine at codon 531 is replaced by asparagine, an amino acid with similar properties. This amino acid position is conserved. In addition, this alteration is predicted to be tolerated by in silico analysis. Based on the available evidence, the clinical significance of this variant remains unclear.